The following is an entry in ClinVar:

NM_001734.5(C1S):c.816C>A (p.Phe272Leu)

Gene: C1S (complement C1s; plus strand). Cytogenetic location: 12p13.31.
Variant type: single nucleotide variant.
Coding change: c.816C>A on transcript NM_001734.5 (MANE Select); coding-DNA position 816, C replaced by A.
Protein change: p.Phe272Leu; replaces phenylalanine 272 with leucine.
Molecular consequence: missense variant.
Genome position (GRCh38, 1-based): chr12:7,065,915, C>A. VCF-style: chr12-7065915-C-A. GRCh37 (hg19) VCF-style: chr12-7173219-C-A.
Other names: c.315C>A, p.Phe105Leu (NM_001346850.2); c.816C>A, p.Phe272Leu (NM_201442.4); short protein forms F272L, F105L.
Identifiers: ClinVar variation 1347162 (VCV001347162.5), dbSNP rs2135725083, ClinGen allele CA383697566.

ClinVar aggregate classification (germline): Uncertain significance (1 of 4 stars; one submission).

Submission:

Labcorp Genetics (formerly Invitae), Labcorp
Classification: Uncertain significance. Last evaluated: 2021-09-24. Review status: criteria provided, single submitter. Criteria: Invitae Variant Classification Sherloc (09022015). Collection method: clinical testing. Allele origin: germline.
Comment: This sequence change replaces phenylalanine with leucine at codon 272 of the C1S protein (p.Phe272Leu). The phenylalanine residue is highly conserved and there is a small physicochemical difference between phenylalanine and leucine. This variant is not present in population databases (ExAC no frequency). This variant has not been reported in the literature in individuals with C1S-related conditions. Algorithms developed to predict the effect of missense changes on protein structure and function are either unavailable or do not agree on the potential impact of this missense change (SIFT: "Deleterious"; PolyPhen-2: "Probably Damaging"; Align-GVGD: "Class C15"). In summary, the available evidence is currently insufficient to determine the role of this variant in disease. Therefore, it has been classified as a Variant of Uncertain Significance.